The following is an entry in ClinVar:

ClinVar aggregate classification (germline): Uncertain significance. Review status: criteria provided, multiple submitters, no conflicts (2 of 4 stars). 2 submissions from 2 submitters: Uncertain significance (2). Last evaluated 2025-04-22.

Conditions:
Epidermolysis bullosa simplex 5B, with muscular dystrophy (EBS5B). Also called: Epidermolysis bullosa simplex with muscular dystrophy; EPIDERMOLYSIS BULLOSA SIMPLEX AND LIMB-GIRDLE MUSCULAR DYSTROPHY. Identifiers: Orphanet 257, MedGen C2931072, MONDO:0009181, OMIM 226670.
Epidermolysis bullosa simplex 5C, with pyloric atresia (EBS5C). Also called: PLEC1-Related Epidermolysis Bullosa with Pyloric Atresia; PLEC-Related Epidermolysis Bullosa with Pyloric Atresia; Epidermolysis bullosa simplex with pyloric atresia. Identifiers: Orphanet 158684, MedGen C2677349, MONDO:0012807, OMIM 612138.
Autosomal recessive limb-girdle muscular dystrophy type 2Q (LGMDR17). Also called: MUSCULAR DYSTROPHY, LIMB-GIRDLE, AUTOSOMAL RECESSIVE 17. Identifiers: Orphanet 254361, MedGen C3150989, MONDO:0013390, OMIM 613723.
Epidermolysis bullosa simplex, Ogna type (EBS5A). Also called: Pidermolysis bullosa simplex 5A, Ogna type; EPIDERMOLYSIS BULLOSA SIMPLEX 5A, OGNA TYPE. Identifiers: Orphanet 79401, MedGen C0432317, MONDO:0007555, OMIM 131950.
Epidermolysis bullosa simplex with nail dystrophy (EBS5D). Identifiers: MedGen C4225309, MONDO:0014661, OMIM 616487.
Inborn genetic diseases. Identifiers: MedGen C0950123, MeSH D030342.

Allele frequency attached by ClinVar (database versions not stated): gnomAD exomes 0.00001; ExAC 0.00002; TOPMed 0.00002.
gnomAD v4.1: 6 of 1,589,004 alleles (0.00038%); highest among the groups gnomAD compares: Admixed American, 0.0067%; no homozygotes.

Submissions (2):

Labcorp Genetics (formerly Invitae), Labcorp
Classification: Uncertain significance for Autosomal recessive limb-girdle muscular dystrophy type 2Q; Epidermolysis bullosa simplex, Ogna type; Epidermolysis bullosa simplex with nail dystrophy; Epidermolysis bullosa simplex 5C, with pyloric atresia; Epidermolysis bullosa simplex 5B, with muscular dystrophy. Last evaluated: 2025-04-22. Review status: criteria provided, single submitter. Criteria: Invitae Variant Classification Sherloc (09022015). Collection method: clinical testing. Allele origin: germline.
Comment: This sequence change replaces lysine, which is basic and polar, with glutamic acid, which is acidic and polar, at codon 1705 of the PLEC protein (p.Lys1705Glu). This variant is present in population databases (rs782573460, gnomAD 0.006%). This variant has not been reported in the literature in individuals affected with PLEC-related conditions. ClinVar contains an entry for this variant (Variation ID: 1393468). Experimental studies and prediction algorithms are not available or were not evaluated, and the functional significance of this variant is currently unknown. In summary, the available evidence is currently insufficient to determine the role of this variant in disease. Therefore, it has been classified as a Variant of Uncertain Significance.

Ambry Genetics
Classification: Uncertain significance for Inborn genetic diseases. Last evaluated: 2024-12-28. Review status: criteria provided, single submitter. Criteria: Ambry Variant Classification Scheme 2023. Collection method: clinical testing. Allele origin: germline.

NM_201384.3(PLEC):c.5032A>G (p.Lys1678Glu)

Gene: PLEC (plectin; minus strand). Cytogenetic location: 8q24.3.
Variant type: single nucleotide variant.
Coding change: c.5032A>G on transcript NM_201384.3 (MANE Select); coding-DNA position 5032, A replaced by G.
Protein change: p.Lys1678Glu; replaces lysine 1678 with glutamic acid.
Molecular consequence: missense variant.
Genome position (GRCh38, 1-based): chr8:143,924,897, T>C on the plus strand (A>G on the coding strand, the complement: PLEC is on the minus strand). VCF-style: chr8-143924897-T-C. GRCh37 (hg19) VCF-style: chr8-144999065-T-C.
Other names: c.4936A>G, p.Lys1646Glu (NM_201381.3); c.5032A>G, p.Lys1678Glu (NM_201382.4); c.5044A>G, p.Lys1682Glu (NM_201383.3); c.5113A>G, p.Lys1705Glu (NM_000445.5); c.4990A>G, p.Lys1664Glu (NM_201378.4); c.4966A>G, p.Lys1656Glu (NM_201379.3); c.5443A>G, p.Lys1815Glu (NM_201380.4); c.5113A>G (NM_000445.3); short protein forms K1646E, K1678E, K1682E, K1815E, K1656E, K1705E, K1664E.
Identifiers: ClinVar variation 1393468 (VCV001393468.9), dbSNP rs782573460, ClinGen allele CA4926452.